The following is an entry in ClinVar:

ClinVar aggregate classification (germline): Uncertain significance. Review status: criteria provided, multiple submitters, no conflicts (2 of 4 stars). 5 submissions from 5 submitters: Uncertain significance (4). 1 of the submissions does not count toward it. Last evaluated 2025-06-03.

Conditions:
Inborn genetic diseases. Identifiers: MedGen C0950123, MeSH D030342.
Kostmann syndrome (SCN3). Also called: Autosomal recessive severe congenital neutropenia type 3; KOSTMANN DISEASE. Identifiers: Orphanet 99749, MedGen C5235141, MONDO:0012548, OMIM 610738.

Allele frequency attached by ClinVar (database versions not stated): gnomAD exomes below 0.00001 and 0.00001; ExAC 0.00002; gnomAD 0.00005 and 0.00006; TOPMed 0.00005; ESP Exome Variant Server 0.00008.
gnomAD v4.1: 13 of 1,613,762 alleles (0.00081%); highest among the groups gnomAD compares: African/African-American, 0.017%; no homozygotes.

Submissions (5):

Ambry Genetics
Classification: Uncertain significance for Inborn genetic diseases. Last evaluated: 2025-06-03. Review status: criteria provided, single submitter. Criteria: Ambry Variant Classification Scheme 2023. Collection method: clinical testing. Allele origin: germline.

Labcorp Genetics (formerly Invitae), Labcorp
Classification: Uncertain significance for Kostmann syndrome. Last evaluated: 2022-07-06. Review status: criteria provided, single submitter. Criteria: Invitae Variant Classification Sherloc (09022015). Collection method: clinical testing. Allele origin: germline.
Comment: This sequence change replaces glycine, which is neutral and non-polar, with valine, which is neutral and non-polar, at codon 41 of the HAX1 protein (p.Gly41Val). This variant is present in population databases (rs369987963, gnomAD 0.02%). This variant has not been reported in the literature in individuals affected with HAX1-related conditions. ClinVar contains an entry for this variant (Variation ID: 658294). Algorithms developed to predict the effect of missense changes on protein structure and function are either unavailable or do not agree on the potential impact of this missense change (SIFT: "Tolerated"; PolyPhen-2: "Possibly Damaging"; Align-GVGD: "Class C0"). Algorithms developed to predict the effect of sequence changes on RNA splicing suggest that this variant may create or strengthen a splice site. In summary, the available evidence is currently insufficient to determine the role of this variant in disease. Therefore, it has been classified as a Variant of Uncertain Significance.

Fulgent Genetics
Classification: Uncertain significance for Kostmann syndrome. Last evaluated: 2022-03-09. Review status: criteria provided, single submitter. Criteria: ACMG Guidelines, 2015. Collection method: clinical testing. Allele origin: unknown.

GeneDx
Classification: Uncertain significance. Last evaluated: 2022-01-20. Review status: criteria provided, single submitter. Criteria: GeneDx Variant Classification Process June 2021. Collection method: clinical testing. Allele origin: germline. Affected: yes.
Comment: In silico analysis supports that this missense variant does not alter protein structure/function; Has not been previously published as pathogenic or benign to our knowledge

Natera, Inc.
Classification: Uncertain significance for Autosomal recessive severe congenital neutropenia type 3. Last evaluated: 2021-02-17. Review status: no assertion criteria provided. Collection method: clinical testing. Allele origin: germline. Not counted in ClinVar's aggregate classification.

NM_006118.4(HAX1):c.122G>T (p.Gly41Val)

Gene: HAX1 (HCLS1 associated protein X-1; plus strand). Cytogenetic location: 1q21.3.
Variant type: single nucleotide variant.
Coding change: c.122G>T on transcript NM_006118.4 (MANE Select); coding-DNA position 122, G replaced by T.
Protein change: p.Gly41Val; replaces glycine 41 with valine.
Molecular consequence: missense variant. On other transcripts: intron variant (1).
Genome position (GRCh38, 1-based): chr1:154,273,404, G>T. VCF-style: chr1-154273404-G-T. GRCh37 (hg19) VCF-style: chr1-154245880-G-T.
Other names: c.54-76G>T (NM_001018837.2); short protein forms G41V.
Identifiers: ClinVar variation 658294 (VCV000658294.11), dbSNP rs369987963, ClinGen allele CA1127261.